The following is an entry in ClinVar:

NM_003185.4(TAF4):c.491_517del (p.Ala164_Pro172del)

Gene: TAF4 (TATA-box binding protein associated factor 4; minus strand). Cytogenetic location: 20q13.33.
Variant type: Deletion.
Coding change: c.491_517del on transcript NM_003185.4 (MANE Select); coding-DNA positions 491 to 517, 27 bases deleted (CCGCGCTGGCCGCCCGCGCCGGCCCCG).
Protein change: p.Ala164_Pro172del.
Genome position (GRCh38, 1-based): chr20:62,065,294-62,065,320, CGGGGCCGGCGCGGGCGGCCAGCGCGG deleted on the plus strand (CCGCGCTGGCCGCCCGCGCCGGCCCCG on the coding strand, the reverse complement: TAF4 is on the minus strand); deleting any 27 consecutive bases within chr20:62,065,294-62,065,331 gives the same sequence; the c. name uses the placement nearest the transcript's 3' end. VCF-style (leftmost placement, unchanged base first): chr20-62065293-CCGGGGCCGGCGCGGGCGGCCAGCGCGG-C. GRCh37 (hg19) VCF-style: chr20-60640349-CCGGGGCCGGCGCGGGCGGCCAGCGCGG-C.
Identifiers: ClinVar variation 4755820 (VCV004755820.1).

ClinVar aggregate classification (germline): Uncertain significance (1 of 4 stars; one submission).

Submission:

GeneDx
Classification: Uncertain significance. Last evaluated: 2025-08-03. Review status: criteria provided, single submitter. Criteria: GeneDx Variant Classification Process June 2021. Collection method: clinical testing. Allele origin: germline. Affected: yes.
Comment: In-frame deletion of 9 amino acids in a non-repeat region; In silico analysis supports a deleterious effect on protein structure/function; Has not been previously published as pathogenic or benign to our knowledge